The following is an entry in ClinVar:

ClinVar aggregate classification (germline): Likely benign. Review status: criteria provided, multiple submitters, no conflicts (2 of 4 stars). 3 submissions from 3 submitters: Likely benign (3). Last evaluated 2025-07-01.

Allele frequency attached by ClinVar (database versions not stated): gnomAD exomes below 0.00001; TOPMed below 0.00001; ExAC 0.00001.
gnomAD v4.1: 5 of 1,612,738 alleles (0.00031%); highest among the groups gnomAD compares: Non-Finnish European, 0.00042%; no homozygotes.

Submissions (3):

CeGaT Center for Human Genetics Tuebingen
Classification: Likely benign. Last evaluated: 2025-07-01. Review status: criteria provided, single submitter. Criteria: CeGaT Center For Human Genetics Tuebingen Variant Classification Criteria Version 2. Collection method: clinical testing. Allele origin: germline. Affected: yes. Observed: 1 variant allele.
Comment: OTOF: BP4, BP7

Labcorp Genetics (formerly Invitae), Labcorp
Classification: Likely benign. Last evaluated: 2024-02-01. Review status: criteria provided, single submitter. Criteria: Invitae Variant Classification Sherloc (09022015). Collection method: clinical testing. Allele origin: germline.

Blueprint Genetics
Classification: Likely benign. Last evaluated: 2024-01-15. Review status: criteria provided, single submitter. Criteria: ACMG Guidelines, 2015. Collection method: clinical testing. Allele origin: germline.

NM_194248.3(OTOF):c.1986G>A (p.Glu662=)

Gene: OTOF (otoferlin; minus strand). Cytogenetic location: 2p23.3.
Variant type: single nucleotide variant.
Coding change: c.1986G>A on transcript NM_194248.3 (MANE Select); coding-DNA position 1986, G replaced by A.
Protein change: p.Glu662=; no amino-acid change (glutamic acid 662 retained).
Molecular consequence: synonymous variant.
Genome position (GRCh38, 1-based): chr2:26,479,580, C>T on the plus strand (G>A on the coding strand, the complement: OTOF is on the minus strand). VCF-style: chr2-26479580-C-T. GRCh37 (hg19) VCF-style: chr2-26702448-C-T.
Other names: c.1986G>A, p.Glu662= (NM_001287489.2).
Identifiers: ClinVar variation 3015903 (VCV003015903.12), dbSNP rs770193706, ClinGen allele CA1564091.
Genomic context (GRCh38, chr2:26,479,580, plus strand): 5'-CAGGTCCCCGGCATCACCGGCCTCGTCATCACTTGCGTTCTGAATCAGGTCTACTTCTTC[C>T]TCATCCCCCGGCTCCTTCCGGGGCCGAGGCCGCTGGGGCCGGGACAGGCCATCAACTTCG-3'
Protein context (NP_919224.1, residues 652-672): RPRPRKEPGD[Glu662=]EEVDLIQNAS